The following is an entry in ClinVar:

ClinVar aggregate classification (germline): Uncertain significance (3 of 4 stars; one submission).

Conditions:
Phenylketonuria (PKU). Also called: FOLLING DISEASE; Phenylketonuria (PKU); OLIGOPHRENIA PHENYLPYRUVICA; Phenylketonurias. Identifiers: Orphanet 716, MedGen C0031485, MONDO:0009861, OMIM 261600. Disease mechanism: loss of function.

Submission:

ClinGen PAH Variant Curation Expert Panel
Classification: Uncertain significance for Phenylketonuria. Last evaluated: 2019-11-22. Review status: reviewed by expert panel. Criteria: ClinGen PAH ACMG Specifications v1. Collection method: curation. Allele origin: germline. Inheritance: Autosomal recessive inheritance.
Comment: This c.61-3T>C variant in PAH was reported twice in the Chinese PKU population, although this may be the same patient (PMID: 26503515; 28982351). DHPR activity, biopterin and/or pteridine analysis was performed to rule out other causes of hyperphenylalaninemia. This variant is absent from the population databases ExAC and gnomAD. However, in silico splicing predictions suggest no splicing impact (HSP, MaxENT, TraP). In summary, this variant meets criteria to be classified as uncertain significance for PAH. PAH-specific ACMG/AMP criteria applied: PP4_moderate, PM2, PM3, BP4.

Literature cited by the submitters: PubMed 28982351; PubMed 26503515.

NM_000277.3(PAH):c.61-3T>C

Gene: PAH (phenylalanine hydroxylase; minus strand). Cytogenetic location: 12q23.2.
Variant type: single nucleotide variant.
Coding change: c.61-3T>C on transcript NM_000277.3 (MANE Select); 3 bases into the intron before coding-DNA position 61, T replaced by C.
Molecular consequence: intron variant.
Genome position (GRCh38, 1-based): chr12:102,912,901, A>G on the plus strand (T>C on the coding strand, the complement: PAH is on the minus strand). VCF-style: chr12-102912901-A-G. GRCh37 (hg19) VCF-style: chr12-103306679-A-G.
Other names: c.61-3T>C (NM_001354304.2).
Identifiers: ClinVar variation 872844 (VCV000872844.1), dbSNP rs1878260066, ClinGen allele CA16020725.